The following is an entry in ClinVar:

NM_002585.4(PBX1):c.645C>T (p.Leu215=)

Gene: PBX1 (PBX homeobox 1; plus strand). Cytogenetic location: 1q23.3.
Variant type: single nucleotide variant.
Coding change: c.645C>T on transcript NM_002585.4 (MANE Select); coding-DNA position 645, C replaced by T.
Protein change: p.Leu215=; no amino-acid change (leucine 215 retained).
Molecular consequence: synonymous variant.
Genome position (GRCh38, 1-based): chr1:164,799,833, C>T. VCF-style: chr1-164799833-C-T. GRCh37 (hg19) VCF-style: chr1-164769070-C-T.
Other names: c.645C>T, p.Leu215= (NM_001204961.2, NM_001204963.2, NM_001353131.2); c.396C>T, p.Leu132= (NM_001353130.1).
Identifiers: ClinVar variation 2639524 (VCV002639524.24), dbSNP rs1668978474, ClinGen allele CA421557814.

ClinVar aggregate classification (germline): Likely benign (1 of 4 stars; one submission).

Allele frequency attached by ClinVar (database versions not stated): gnomAD exomes below 0.00001.
gnomAD v4.1: 3 of 1,614,072 alleles (0.00019%); highest among the groups gnomAD compares: Non-Finnish European, 0.00017%; no homozygotes.

Submission:

CeGaT Center for Human Genetics Tuebingen
Classification: Likely benign. Last evaluated: 2023-03-01. Review status: criteria provided, single submitter. Criteria: CeGaT Center For Human Genetics Tuebingen Variant Classification Criteria Version 2. Collection method: clinical testing. Allele origin: germline. Affected: yes. Observed: 1 variant allele.
Comment: PBX1: PM2:Supporting, BP4, BP7